The following is an entry in ClinVar:

NM_001206927.2(DNAH8):c.10105A>G (p.Lys3369Glu)

Genes: DNAH8 (dynein axonemal heavy chain 8; plus strand), DNAH8-AS1 (DNAH8 antisense RNA 1; minus strand). Cytogenetic location: 6p21.2.
Variant type: single nucleotide variant.
Coding change: c.10105A>G on transcript NM_001206927.2 (MANE Select); coding-DNA position 10105, A replaced by G.
Protein change: p.Lys3369Glu; replaces lysine 3369 with glutamic acid.
Molecular consequence: missense variant.
Genome position (GRCh38, 1-based): chr6:38,915,342, A>G. VCF-style: chr6-38915342-A-G. GRCh37 (hg19) VCF-style: chr6-38883118-A-G.
Other names: c.9454A>G, p.Lys3152Glu (NM_001371.4); short protein forms K3369E, K3152E.
Identifiers: ClinVar variation 4718336 (VCV004718336.1).

ClinVar aggregate classification (germline): Uncertain significance (1 of 4 stars; one submission).

Conditions:
Primary ciliary dyskinesia. Also called: Ciliary dyskinesia. Identifiers: Orphanet 244, MedGen C0008780, MONDO:0016575, HP:0012265.

Submission:

Labcorp Genetics (formerly Invitae), Labcorp
Classification: Uncertain significance for Primary ciliary dyskinesia. Last evaluated: 2025-10-15. Review status: criteria provided, single submitter. Criteria: Invitae Variant Classification Sherloc (09022015). Collection method: clinical testing. Allele origin: germline.
Comment: This sequence change replaces lysine, which is basic and polar, with glutamic acid, which is acidic and polar, at codon 3369 of the DNAH8 protein (p.Lys3369Glu). This variant is not present in population databases (gnomAD no frequency). This variant has not been reported in the literature in individuals affected with DNAH8-related conditions. Experimental studies and prediction algorithms are not available or were not evaluated, and the functional significance of this variant is currently unknown. In summary, the available evidence is currently insufficient to determine the role of this variant in disease. Therefore, it has been classified as a Variant of Uncertain Significance.